The following is an entry in ClinVar:

ClinVar aggregate classification (germline): Benign/Likely benign. Review status: criteria provided, multiple submitters, no conflicts (2 of 4 stars). 6 submissions from 6 submitters: Benign (3); Likely benign (2). 1 of the submissions does not count toward it. Last evaluated 2026-07-01.

Conditions:
Connective tissue disorder. Also called: Connective tissue disease. Identifiers: MedGen C0009782, MONDO:0003900.
LBR-related disorder. Also called: LBR-related disorders; LBR-related condition.

Allele frequency attached by ClinVar (database versions not stated): ESP Exome Variant Server 0.00008; gnomAD exomes 0.00033 and 0.00164; gnomAD 0.00036 and 0.00037; TOPMed 0.00082; ExAC 0.00129.
gnomAD v4.1: 525 of 1,609,912 alleles (0.033%); highest among the groups gnomAD compares: Admixed American, 0.79%; 7 homozygotes.

Submissions (6):

CeGaT Center for Human Genetics Tuebingen
Classification: Likely benign. Last evaluated: 2026-07-01. Review status: criteria provided, single submitter. Criteria: CeGaT Center For Human Genetics Tuebingen Variant Classification Criteria Version 2. Collection method: clinical testing. Allele origin: germline. Affected: yes. Observed: 4 variant alleles.
Comment: LBR: BP4, BP7

Labcorp Genetics (formerly Invitae), Labcorp
Classification: Benign. Last evaluated: 2026-01-09. Review status: criteria provided, single submitter. Criteria: Invitae Variant Classification Sherloc (09022015). Collection method: clinical testing. Allele origin: germline.

ARUP Laboratories, Molecular Genetics and Genomics, ARUP Laboratories
Classification: Benign. Last evaluated: 2024-08-01. Review status: criteria provided, single submitter. Criteria: ARUP Molecular Germline Variant Investigation Process 2024. Collection method: clinical testing. Allele origin: germline.

GeneDx
Classification: Likely benign. Last evaluated: 2021-07-30. Review status: criteria provided, single submitter. Criteria: GeneDx Variant Classification Process June 2021. Collection method: clinical testing. Allele origin: germline. Affected: yes.

Genome Diagnostics Laboratory, The Hospital for Sick Children
Classification: Benign for Connective tissue disorder. Last evaluated: 2021-06-01. Review status: criteria provided, single submitter. Criteria: ACMG Guidelines, 2015. Collection method: clinical testing. Allele origin: germline.

PreventionGenetics, part of Exact Sciences
Classification: Benign for LBR-related condition. Last evaluated: 2019-09-24. Review status: no assertion criteria provided. Collection method: clinical testing. Allele origin: germline. Not counted in ClinVar's aggregate classification.
Comment: This variant is classified as benign based on ACMG/AMP sequence variant interpretation guidelines (Richards et al. 2015 PMID: 25741868, with internal and published modifications).

NM_002296.4(LBR):c.927C>T (p.Ile309=)

Gene: LBR (lamin B receptor; minus strand). Cytogenetic location: 1q42.12.
Variant type: single nucleotide variant.
Coding change: c.927C>T on transcript NM_002296.4 (MANE Select); coding-DNA position 927, C replaced by T.
Protein change: p.Ile309=; no amino-acid change (isoleucine 309 retained).
Molecular consequence: synonymous variant.
Genome position (GRCh38, 1-based): chr1:225,412,611, G>A on the plus strand (C>T on the coding strand, the complement: LBR is on the minus strand). VCF-style: chr1-225412611-G-A. GRCh37 (hg19) VCF-style: chr1-225600313-G-A.
Other names: c.927C>T, p.Ile309= (NM_194442.3).
Identifiers: ClinVar variation 439857 (VCV000439857.31), dbSNP rs143164834, ClinGen allele CA1417287.